The following is an entry in ClinVar:

ClinVar aggregate classification (germline): Uncertain significance (1 of 4 stars; one submission).

Conditions:
Charcot-Marie-Tooth disease axonal type 2O. Also called: CHARCOT-MARIE-TOOTH NEUROPATHY, AXONAL, TYPE 2O; CHARCOT-MARIE-TOOTH DISEASE, AXONAL, AUTOSOMAL DOMINANT, TYPE 2O; Charcot-Marie-Tooth Neuropathy Type 2O; Charcot-Marie-Tooth disease, axonal, type 20. Identifiers: Orphanet 284232, MedGen C3280220, MONDO:0013644, OMIM 614228.

Submission:

Labcorp Genetics (formerly Invitae), Labcorp
Classification: Uncertain significance for Charcot-Marie-Tooth disease axonal type 2O. Last evaluated: 2024-01-25. Review status: criteria provided, single submitter. Criteria: Invitae Variant Classification Sherloc (09022015). Collection method: clinical testing. Allele origin: germline.
Comment: This sequence change creates a premature translational stop signal (p.Tyr2493*) in the DYNC1H1 gene. It is expected to result in an absent or disrupted protein product. However, the current clinical and genetic evidence is not sufficient to establish whether loss-of-function variants in DYNC1H1 cause disease. This variant is not present in population databases (gnomAD no frequency). This variant has not been reported in the literature in individuals affected with DYNC1H1-related conditions. In summary, the available evidence is currently insufficient to determine the role of this variant in disease. Therefore, it has been classified as a Variant of Uncertain Significance.

NM_001376.5(DYNC1H1):c.7479T>A (p.Tyr2493Ter)

Gene: DYNC1H1 (dynein cytoplasmic 1 heavy chain 1; plus strand). Cytogenetic location: 14q32.31.
Variant type: single nucleotide variant.
Coding change: c.7479T>A on transcript NM_001376.5 (MANE Select); coding-DNA position 7479, T replaced by A.
Protein change: p.Tyr2493Ter; replaces tyrosine 2493 with a stop codon.
Molecular consequence: nonsense.
Genome position (GRCh38, 1-based): chr14:102,016,354, T>A. VCF-style: chr14-102016354-T-A. GRCh37 (hg19) VCF-style: chr14-102482691-T-A.
Other names: short protein forms Y2493*.
Identifiers: ClinVar variation 3633267 (VCV003633267.2).